The following is an entry in ClinVar:

ClinVar aggregate classification (germline): Uncertain significance. Review status: criteria provided, multiple submitters, no conflicts (2 of 4 stars). 3 submissions from 3 submitters: Uncertain significance (3). Last evaluated 2026-04-06.

Conditions:
Inborn genetic diseases. Identifiers: MedGen C0950123, MeSH D030342.
ABCC2-related disorder. Also called: ABCC2-related condition.

Allele frequency attached by ClinVar (database versions not stated): gnomAD exomes 0.00001; ExAC 0.00002; gnomAD 0.00018; 1000 Genomes Project 0.00020; TOPMed 0.00029; 1000 Genomes Project 30x 0.00031.
gnomAD v4.1: 44 of 1,612,562 alleles (0.0027%); highest among the groups gnomAD compares: Admixed American, 0.048%; no homozygotes.

Submissions (3):

PreventionGenetics, part of Exact Sciences
Classification: Uncertain significance for ABCC2-related condition. Last evaluated: 2026-04-06. Review status: criteria provided, single submitter. Criteria: ACMG Guidelines, 2015. Collection method: clinical testing. Allele origin: germline.
Comment: The ABCC2 c.4088T>C variant is predicted to result in the amino acid substitution p.Val1363Ala. To our knowledge, this variant has not been reported in the literature. This variant is reported in 0.0018% of alleles in individuals of European (Non-Finnish) descent in gnomAD. At this time, the clinical significance of this variant is uncertain due to the absence of conclusive functional and genetic evidence.

Ambry Genetics
Classification: Uncertain significance for Inborn genetic diseases. Last evaluated: 2024-09-26. Review status: criteria provided, single submitter. Criteria: Ambry Variant Classification Scheme 2023. Collection method: clinical testing. Allele origin: germline.

Labcorp Genetics (formerly Invitae), Labcorp
Classification: Uncertain significance. Last evaluated: 2024-03-29. Review status: criteria provided, single submitter. Criteria: Invitae Variant Classification Sherloc (09022015). Collection method: clinical testing. Allele origin: germline.
Comment: This sequence change replaces valine, which is neutral and non-polar, with alanine, which is neutral and non-polar, at codon 1363 of the ABCC2 protein (p.Val1363Ala). This variant is present in population databases (rs571273081, gnomAD 0.002%). This variant has not been reported in the literature in individuals affected with ABCC2-related conditions. ClinVar contains an entry for this variant (Variation ID: 2341015). Advanced modeling of protein sequence and biophysical properties (such as structural, functional, and spatial information, amino acid conservation, physicochemical variation, residue mobility, and thermodynamic stability) performed at Invitae indicates that this missense variant is not expected to disrupt ABCC2 protein function with a negative predictive value of 80%. In summary, the available evidence is currently insufficient to determine the role of this variant in disease. Therefore, it has been classified as a Variant of Uncertain Significance.

NM_000392.5(ABCC2):c.4088T>C (p.Val1363Ala)

Gene: ABCC2 (ATP binding cassette subfamily C member 2; plus strand). Cytogenetic location: 10q24.2.
Variant type: single nucleotide variant.
Coding change: c.4088T>C on transcript NM_000392.5 (MANE Select); coding-DNA position 4088, T replaced by C.
Protein change: p.Val1363Ala; replaces valine 1363 with alanine.
Molecular consequence: missense variant.
Genome position (GRCh38, 1-based): chr10:99,845,724, T>C. VCF-style: chr10-99845724-T-C. GRCh37 (hg19) VCF-style: chr10-101605481-T-C.
Other names: c.4088T>C (NM_000392.4); short protein forms V1363A.
Identifiers: ClinVar variation 2341015 (VCV002341015.5), dbSNP rs571273081, ClinGen allele CA5644029.
Genomic context (GRCh38, chr10:99,845,724, plus strand): 5'-TCACAAACTGCCTCTTCAGAATCTTAGAGGCTGCCGGTGGTCAGATTATCATTGATGGAG[T>C]AGATATTGCTTCCATTGGGCTCCACGACCTCCGAGAGAAGCTGACCATCATCCCCCAGGT-3'
Protein context (NP_000383.2, residues 1353-1373): AAGGQIIIDG[Val1363Ala]DIASIGLHDL